The following is an entry in ClinVar:

NM_007294.4(BRCA1):c.4113del (p.Cys1372fs)

Gene: BRCA1 (BRCA1 DNA repair associated; minus strand). Cytogenetic location: 17q21.31.
Variant type: Deletion.
Coding change: c.4113del on transcript NM_007294.4 (MANE Select); coding-DNA position 4113, one base deleted (G; older notation c.4113delG).
Protein change: p.Cys1372fs; shifts the reading frame from cysteine 1372.
Molecular consequence: frameshift variant. On other transcripts: non-coding transcript variant (1).
Genome position (GRCh38, 1-based): chr17:43,091,016, C deleted on the plus strand (G on the coding strand, the reverse complement: BRCA1 is on the minus strand); the first of 3 consecutive C bases (chr17:43,091,016-43,091,018); deleting any one gives the same sequence. VCF-style (leftmost placement, unchanged base first): chr17-43091015-AC-A. GRCh37 (hg19) VCF-style: chr17-41243032-AC-A.
Other names: 4232delG; c.4113delG (NM_007294.3); c.3898delG, p.Cys1301Valfs (NM_001407571.1, NM_001407853.1, NM_001407894.1 and 9 more transcripts); c.4111delG, p.Cys1372Valfs (NM_001407581.1, NM_001407582.1, NM_001407583.1 and 29 more transcripts); c.4108delG, p.Cys1371Valfs (NM_001407587.1, NM_001407590.1, NM_001407591.1 and 22 more transcripts); c.4102delG, p.Cys1369Valfs (NM_001407646.1, NM_001407647.1); c.3988delG, p.Cys1331Valfs (NM_001407648.1, NM_001407664.1, NM_001407665.1 and 19 more transcripts); c.3985delG, p.Cys1330Valfs (NM_001407649.1, NM_001407670.1, NM_001407671.1 and 11 more transcripts); and 46 more; short protein forms C1372fs, C269fs, C1325fs.
Identifiers: ClinVar variation 125680 (VCV000125680.30), dbSNP rs80357861, ClinGen allele CA002634.

ClinVar aggregate classification (germline): Pathogenic. Review status: reviewed by expert panel (3 of 4 stars). 11 submissions from 11 submitters: Pathogenic (1). 10 of the submissions do not count toward it. Last evaluated 2016-04-22.

Conditions:
Hereditary cancer-predisposing syndrome. Also called: Tumor predisposition; Hereditary neoplastic syndrome; Hereditary Cancer Syndrome; Neoplastic Syndromes, Hereditary. Identifiers: Orphanet 140162, MedGen C0027672, MeSH D009386, MONDO:0015356.
Hereditary breast ovarian cancer syndrome. Also called: Hereditary breast and/or ovarian cancer syndrome; Breast and ovarian cancer; Hereditary breast and ovarian cancer syndrome; Hereditary breast and ovarian cancer; Hereditary breast and ovarian cancer syndrome (HBOC); BRCA1- and BRCA2-Associated Hereditary Breast and Ovarian Cancer. Identifiers: Orphanet 145, MedGen C0677776, MeSH D061325, MONDO:0003582. Disease mechanism: loss of function.
Breast-ovarian cancer, familial, susceptibility to, 1 (BROVCA1). Also called: BRCA1 Hereditary Breast and Ovarian Cancer; OVARIAN CANCER, SUSCEPTIBILITY TO. Identifiers: Orphanet 145, MedGen C2676676, MONDO:0011450, OMIM 604370. Disease mechanism: loss of function.

Submissions (11):

Evidence-based Network for the Interpretation of Germline Mutant Alleles (ENIGMA)
Classification: Pathogenic for Breast-ovarian cancer, familial, susceptibility to, 1. Last evaluated: 2016-04-22. Review status: reviewed by expert panel. Criteria: ENIGMA BRCA1/2 Classification Criteria (2015). Collection method: curation. Allele origin: germline.
Comment: Variant allele predicted to encode a truncated non-functional protein.

Labcorp Genetics (formerly Invitae), Labcorp
Classification: Pathogenic for Hereditary breast ovarian cancer syndrome. Last evaluated: 2025-10-13. Review status: criteria provided, single submitter. Criteria: Invitae Variant Classification Sherloc (09022015). Collection method: clinical testing. Allele origin: germline. Not counted in ClinVar's aggregate classification.
Comment: This sequence change creates a premature translational stop signal (p.Cys1372Valfs*21) in the BRCA1 gene. It is expected to result in an absent or disrupted protein product. Loss-of-function variants in BRCA1 are known to be pathogenic (PMID: 20104584). This variant is not present in population databases (gnomAD no frequency). This premature translational stop signal has been observed in individual(s) with breast and/or ovarian cancer (PMID: 10464631, 26014432). This variant is also known as c.4232delG. ClinVar contains an entry for this variant (Variation ID: 125680). For these reasons, this variant has been classified as Pathogenic.

Color Diagnostics, LLC DBA Color Health
Classification: Pathogenic for Hereditary cancer-predisposing syndrome. Last evaluated: 2024-08-19. Review status: criteria provided, single submitter. Criteria: ACMG Guidelines, 2015. Collection method: clinical testing. Allele origin: germline. Not counted in ClinVar's aggregate classification.
Comment: This variant deletes 1 nucleotide in exon 11 of the BRCA1 gene, creating a frameshift and premature translation stop signal. This variant is expected to result in an absent or non-functional protein product. This variant have been reported in at least three individuals affected with breast and/or ovarian cancer and in suspected hereditary breast and ovarian cancer families (PMID: 10464631, 20206335, 26014432, 29446198). This variant has not been identified in the general population by the Genome Aggregation Database (gnomAD). Loss of BRCA1 function is a known mechanism of disease. Based on the available evidence, this variant is classified as Pathogenic.

Baylor Genetics
Classification: Pathogenic for Breast-ovarian cancer, familial, susceptibility to, 1. Last evaluated: 2023-02-21. Review status: criteria provided, single submitter. Criteria: ACMG Guidelines, 2015. Collection method: clinical testing. Allele origin: unknown. Not counted in ClinVar's aggregate classification.

Ambry Genetics
Classification: Pathogenic for Hereditary cancer-predisposing syndrome. Last evaluated: 2021-07-27. Review status: criteria provided, single submitter. Criteria: Ambry Variant Classification Scheme 2023. Collection method: clinical testing. Allele origin: germline. Not counted in ClinVar's aggregate classification.
Comment: The c.4113delG pathogenic mutation, located in coding exon 10 of the BRCA1 gene, results from a deletion of one nucleotide at nucleotide position 4113, causing a translational frameshift with a predicted alternate stop codon. This mutation has been previously reported in one Australian breast and/or ovarian cancer family (Rebbeck TR et al. Hum. Mutat. 2018 May;39(5):593-620). In addition to the clinical data presented in the literature, this alteration is expected to result in loss of function due to an abnormal transcript, a translational frameshift leading to premature truncation, or nonsense-mediated mRNA decay. As such, this alteration is interpreted as a disease-causing mutation.

GeneKor MSA
Classification: Pathogenic. Last evaluated: 2020-01-01. Review status: criteria provided, single submitter. Criteria: ACMG Guidelines, 2015. Collection method: clinical testing. Allele origin: germline. Not counted in ClinVar's aggregate classification.
Comment: This sequence change deletes one nucleotide from exon 12 of the BRCA1 mRNA (c.4113delG), causing a frameshift after codon 1372 and the creation of a premature translational stop signal 21 amino acid residues later (p.Cys1372Valfs*21). This is expected to result in an absent or disrupted protein product. Truncating variants in BRCA1 are known to be pathogenic. The mutation database ClinVar contains entries for this variant (Variation ID: 125680).

GeneDx
Classification: Pathogenic. Last evaluated: 2017-08-10. Review status: criteria provided, single submitter. Criteria: GeneDx Variant Classification (06012015). Collection method: clinical testing. Allele origin: germline. Affected: yes. Not counted in ClinVar's aggregate classification.
Comment: This deletion of one nucleotide in BRCA1 is denoted c.4113delG at the cDNA level and p.Cys1372ValfsX21 (C1372VfsX21) at the protein level. The normal sequence, with the base that is deleted in brackets, is CTGG[delG]TGTG. The deletion causes a frameshift which changes a Cysteine to a Valine at codon 1372, and creates a premature stop codon at position 21 of the new reading frame. This variant is predicted to cause loss of normal protein function through either protein truncation or nonsense-mediated mRNA decay. BRCA1 c.4113delG, previously reported as 4232delG using alternate nomenclature, has been seen in at least one individual undergoing clinical BRCA1/2 testing due to personal and/or family history of cancer (Judkins 2005). We consider this variant to be pathogenic.

Consortium of Investigators of Modifiers of BRCA1/2 (CIMBA), c/o University of Cambridge
Classification: Pathogenic for Breast-ovarian cancer, familial, susceptibility to, 1. Last evaluated: 2015-10-02. Review status: criteria provided, single submitter. Criteria: CIMBA Mutation Classification guidelines May 2016. Collection method: clinical testing. Allele origin: germline. Not counted in ClinVar's aggregate classification.

Counsyl
Classification: Pathogenic for Breast-ovarian cancer, familial, susceptibility to, 1. Last evaluated: 2016-11-28. Review status: no assertion criteria provided. Collection method: clinical testing. Allele origin: unknown. Not counted in ClinVar's aggregate classification.

Institute of Human Genetics, Medical University Innsbruck
Classification: Pathogenic for Breast-ovarian cancer, familial 1. Last evaluated: 2015-02-11. Review status: no assertion criteria provided. Criteria: clinical testing. Collection method: clinical testing. Allele origin: germline. Affected: yes. Observed: 1 variant allele. Study: BRCA-Tyrol. Not counted in ClinVar's aggregate classification.
Comment: BRCA-mutation spectrum Western Austria

Breast Cancer Information Core (BIC) (BRCA1)
Classification: Pathogenic for Breast-ovarian cancer, familial 1. Last evaluated: 2004-02-20. Review status: no assertion criteria provided. Collection method: clinical testing. Allele origin: germline. Affected: yes. Observed: 2 variant alleles. Not counted in ClinVar's aggregate classification.

Literature cited by the submitters: PubMed 20104584 (cited by Labcorp Genetics (formerly Invitae), Labcorp); PubMed 10464631 (cited by 3 submitters); PubMed 26014432 (cited by 3 submitters); PubMed 20206335 (cited by Color Diagnostics, LLC DBA Color Health and Counsyl); PubMed 29446198 (cited by Color Diagnostics, LLC DBA Color Health); PubMed 16267036 (cited by Counsyl).